The following is an entry in ClinVar:

NM_001009944.3(PKD1):c.11246T>C (p.Leu3749Pro)

Genes: PKD1 (polycystin 1, transient receptor potential channel interacting; minus strand), PKD1-AS1 (PKD1 antisense RNA 1; plus strand). Cytogenetic location: 16p13.3.
Variant type: single nucleotide variant.
Coding change: c.11246T>C on transcript NM_001009944.3 (MANE Select); coding-DNA position 11246, T replaced by C.
Protein change: p.Leu3749Pro; replaces leucine 3749 with proline.
Molecular consequence: missense variant.
Genome position (GRCh38, 1-based): chr16:2,092,503, A>G on the plus strand (T>C on the coding strand, the complement: PKD1 is on the minus strand). VCF-style: chr16-2092503-A-G. GRCh37 (hg19) VCF-style: chr16-2142504-A-G.
Other names: c.11243T>C, p.Leu3748Pro (NM_000296.4); short protein forms L3748P, L3749P.
Identifiers: ClinVar variation 2442651 (VCV002442651.1), dbSNP rs2544631424, ClinGen allele CA394336176.

ClinVar aggregate classification (germline): Uncertain significance (1 of 4 stars; one submission).

Submission:

GeneDx
Classification: Uncertain significance. Last evaluated: 2022-08-31. Review status: criteria provided, single submitter. Criteria: GeneDx Variant Classification Process June 2021. Collection method: clinical testing. Allele origin: germline. Affected: yes.
Comment: Not observed at significant frequency in large population cohorts (gnomAD); In silico analysis supports that this missense variant has a deleterious effect on protein structure/function; Has not been previously published as pathogenic or benign to our knowledge; This variant is associated with the following publications: (PMID: 28154010, Wetchanien(2016)_article)